The following is an entry in ClinVar:

ClinVar aggregate classification (germline): Uncertain significance. Review status: criteria provided, multiple submitters, no conflicts (2 of 4 stars). 2 submissions from 2 submitters: Uncertain significance (2). Last evaluated 2024-10-26.

Conditions:
Inborn genetic diseases. Identifiers: MedGen C0950123, MeSH D030342.
Acyl-CoA oxidase deficiency. Also called: Peroxisomal acyl-CoA oxidase deficiency; STRAIGHT-CHAIN ACYL-CoA OXIDASE DEFICIENCY; Pseudoneonatal adrenoleukodystrophy. Identifiers: Orphanet 2971, MedGen C1849678, MONDO:0009919, OMIM 264470. Disease mechanism: loss of function.

Allele frequency attached by ClinVar (database versions not stated): TOPMed below 0.00001.
gnomAD v4.1: 2 of 1,614,170 alleles (0.00012%); highest among the groups gnomAD compares: Admixed American, 0.0033%; no homozygotes.

Submissions (2):

Labcorp Genetics (formerly Invitae), Labcorp
Classification: Uncertain significance for Acyl-CoA oxidase deficiency. Last evaluated: 2024-10-26. Review status: criteria provided, single submitter. Criteria: Invitae Variant Classification Sherloc (09022015). Collection method: clinical testing. Allele origin: germline.
Comment: This sequence change replaces leucine, which is neutral and non-polar, with isoleucine, which is neutral and non-polar, at codon 543 of the ACOX1 protein (p.Leu543Ile). This variant is present in population databases (no rsID available, gnomAD 0.003%). This variant has not been reported in the literature in individuals affected with ACOX1-related conditions. ClinVar contains an entry for this variant (Variation ID: 2200373). Invitae Evidence Modeling of protein sequence and biophysical properties (such as structural, functional, and spatial information, amino acid conservation, physicochemical variation, residue mobility, and thermodynamic stability) indicates that this missense variant is not expected to disrupt ACOX1 protein function with a negative predictive value of 80%. In summary, the available evidence is currently insufficient to determine the role of this variant in disease. Therefore, it has been classified as a Variant of Uncertain Significance.

Ambry Genetics
Classification: Uncertain significance for Inborn genetic diseases. Last evaluated: 2024-04-12. Review status: criteria provided, single submitter. Criteria: Ambry Variant Classification Scheme 2023. Collection method: clinical testing. Allele origin: germline.

NM_004035.7(ACOX1):c.1627C>A (p.Leu543Ile)

Gene: ACOX1 (acyl-CoA oxidase 1; minus strand). Cytogenetic location: 17q25.1.
Variant type: single nucleotide variant.
Coding change: c.1627C>A on transcript NM_004035.7 (MANE Select); coding-DNA position 1627, C replaced by A.
Protein change: p.Leu543Ile; replaces leucine 543 with isoleucine.
Molecular consequence: missense variant.
Genome position (GRCh38, 1-based): chr17:75,949,318, G>T on the plus strand (C>A on the coding strand, the complement: ACOX1 is on the minus strand). VCF-style: chr17-75949318-G-T. GRCh37 (hg19) VCF-style: chr17-73945399-G-T.
Other names: c.1513C>A, p.Leu505Ile (NM_001185039.2); c.1627C>A, p.Leu543Ile (NM_007292.6); c.1627C>A (NM_004035.6); short protein forms L505I, L543I.
Identifiers: ClinVar variation 2200373 (VCV002200373.4), dbSNP rs1256555093, ClinGen allele CA401060057.